The following is an entry in ClinVar:

NM_015346.4(ZFYVE26):c.68G>A (p.Cys23Tyr)

Gene: ZFYVE26 (zinc finger FYVE-type containing 26; minus strand). Cytogenetic location: 14q24.1.
Variant type: single nucleotide variant.
Coding change: c.68G>A on transcript NM_015346.4 (MANE Select); coding-DNA position 68, G replaced by A.
Protein change: p.Cys23Tyr; replaces cysteine 23 with tyrosine.
Molecular consequence: missense variant.
Genome position (GRCh38, 1-based): chr14:67,815,896, C>T on the plus strand (G>A on the coding strand, the complement: ZFYVE26 is on the minus strand). VCF-style: chr14-67815896-C-T. GRCh37 (hg19) VCF-style: chr14-68282613-C-T.
Other names: short protein forms C23Y.
Identifiers: ClinVar variation 642343 (VCV000642343.5), dbSNP rs757919696, ClinGen allele CA7240899.
Genomic context (GRCh38, chr14:67,815,896, plus strand): 5'-TGTCCCTCCTGTAGCTGAGGTACACATGCCTGTGCCAGCTCCCATTCTCCCCTCCGCAGG[C>T]ATTCGCAGAAAAATCCAAAAAGCTGCTTCTGCGAAGCAGCTTCCTCTTTTCCAAATGGAT-3'
Protein context (NP_056161.2, residues 13-33): QKQLFGFFCE[Cys23Tyr]LRRGEWELAQ

ClinVar aggregate classification (germline): Uncertain significance (1 of 4 stars; one submission).

Conditions:
Spastic paraplegia. Identifiers: MedGen C0037772, HP:0001258.

Allele frequency attached by ClinVar (database versions not stated): gnomAD 0.00001; ExAC 0.00002; TOPMed 0.00001.
gnomAD v4.1: 19 of 1,613,884 alleles (0.0012%); highest among the groups gnomAD compares: Non-Finnish European, 0.0016%; no homozygotes.

Submission:

Labcorp Genetics (formerly Invitae), Labcorp
Classification: Uncertain significance for Spastic paraplegia. Last evaluated: 2024-08-19. Review status: criteria provided, single submitter. Criteria: Invitae Variant Classification Sherloc (09022015). Collection method: clinical testing. Allele origin: germline.
Comment: This sequence change replaces cysteine, which is neutral and slightly polar, with tyrosine, which is neutral and polar, at codon 23 of the ZFYVE26 protein (p.Cys23Tyr). This variant is present in population databases (rs757919696, gnomAD 0.002%). This variant has not been reported in the literature in individuals affected with ZFYVE26-related conditions. ClinVar contains an entry for this variant (Variation ID: 642343). An algorithm developed to predict the effect of missense changes on protein structure and function (PolyPhen-2) suggests that this variant is likely to be disruptive. In summary, the available evidence is currently insufficient to determine the role of this variant in disease. Therefore, it has been classified as a Variant of Uncertain Significance.